The following is an entry in ClinVar:

ClinVar aggregate classification (germline): Uncertain significance (1 of 4 stars; one submission).

Submission:

GeneDx
Classification: Uncertain significance. Last evaluated: 2024-06-07. Review status: criteria provided, single submitter. Criteria: GeneDx Variant Classification Process June 2021. Collection method: clinical testing. Allele origin: germline. Affected: yes.
Comment: Not observed at significant frequency in large population cohorts (gnomAD); In silico analysis indicates that this missense variant does not alter protein structure/function; Has not been previously published as pathogenic or benign to our knowledge; This variant is associated with the following publications: (PMID: 19245665)

NM_003079.5(SMARCE1):c.17C>A (p.Ser6Tyr)

Gene: SMARCE1 (SWI/SNF related BAF chromatin remodeling complex subunit E1; minus strand). Cytogenetic location: 17q21.2.
Variant type: single nucleotide variant.
Coding change: c.17C>A on transcript NM_003079.5 (MANE Select); coding-DNA position 17, C replaced by A.
Protein change: p.Ser6Tyr; replaces serine 6 with tyrosine.
Molecular consequence: missense variant.
Genome position (GRCh38, 1-based): chr17:40,645,610, G>T on the plus strand (C>A on the coding strand, the complement: SMARCE1 is on the minus strand). VCF-style: chr17-40645610-G-T. GRCh37 (hg19) VCF-style: chr17-38801862-G-T.
Other names: short protein forms S6Y.
Identifiers: ClinVar variation 3384390 (VCV003384390.1).